The following is an entry in ClinVar:

ClinVar aggregate classification (germline): Benign/Likely benign. Review status: criteria provided, multiple submitters, no conflicts (2 of 4 stars). 12 submissions from 12 submitters: Benign (8); Likely benign (2). 2 of the submissions do not count toward it. Last evaluated 2026-06-26.

Conditions:
Cardiovascular phenotype. Identifiers: MedGen CN230736.
Brugada syndrome 8 (BRGDA8). Identifiers: Orphanet 130, MedGen C2751083, MONDO:0013148, OMIM 613123.

Allele frequency attached by ClinVar (database versions not stated): gnomAD exomes 0.00042 and 0.00121; ExAC 0.00219; 1000 Genomes Project 30x 0.00328; 1000 Genomes Project 0.00339; gnomAD 0.00383 and 0.00416; ESP Exome Variant Server 0.00409; TOPMed 0.00451.
gnomAD v4.1: 1,173 of 1,525,396 alleles (0.077%); highest among the groups gnomAD compares: African/African-American, 1.4%; 7 homozygotes.

Submissions (12):

Women's Health and Genetics/Laboratory Corporation of America, LabCorp
Classification: Likely benign. Last evaluated: 2026-06-26. Review status: criteria provided, single submitter. Criteria: LabCorp Variant Classification Summary - May 2015. Collection method: clinical testing. Allele origin: germline.

Labcorp Genetics (formerly Invitae), Labcorp
Classification: Benign for Brugada syndrome 8. Last evaluated: 2026-01-28. Review status: criteria provided, single submitter. Criteria: Invitae Variant Classification Sherloc (09022015). Collection method: clinical testing. Allele origin: germline.

Athena Diagnostics
Classification: Benign. Last evaluated: 2025-04-25. Review status: criteria provided, single submitter. Criteria: Athena Diagnostics Criteria. Collection method: clinical testing. Allele origin: unknown.
Comment: The frequency of this variant in the general population is higher than would generally be expected for pathogenic variants in this gene.

Molecular Diagnostic Laboratory for Inherited Cardiovascular Disease, Montreal Heart Institute
Classification: Benign. Last evaluated: 2025-04-09. Review status: criteria provided, single submitter. Criteria: ACMG Guidelines, 2015. Collection method: clinical testing. Allele origin: germline. Affected: no.

Blueprint Genetics
Classification: Likely benign. Last evaluated: 2024-11-13. Review status: criteria provided, single submitter. Criteria: ACMG Guidelines, 2015. Collection method: clinical testing. Allele origin: germline.

Mayo Clinic Laboratories, Mayo Clinic
Classification: Benign. Last evaluated: 2024-06-13. Review status: criteria provided, single submitter. Criteria: ACMG Guidelines, 2015. Collection method: clinical testing. Allele origin: germline. Observed: 2 variant alleles.
Comment: BS1, BS2, BP4

Ambry Genetics
Classification: Benign for Cardiovascular phenotype. Last evaluated: 2015-09-17. Review status: criteria provided, single submitter. Criteria: Ambry Variant Classification Scheme 2023. Collection method: clinical testing. Allele origin: germline.

Eurofins Ntd Llc (ga)
Classification: Benign. Last evaluated: 2015-03-02. Review status: criteria provided, single submitter. Criteria: EGL Classification Definitions 2015. Collection method: clinical testing. Allele origin: germline. Observed: 5 variant alleles, 5 heterozygotes.

GeneDx
Classification: Benign. Last evaluated: 2014-09-02. Review status: criteria provided, single submitter. Criteria: GeneDx Variant Classification (06012015). Collection method: clinical testing. Allele origin: germline. Affected: yes.
Comment: This variant is considered likely benign or benign based on one or more of the following criteria: it is a conservative change, it occurs at a poorly conserved position in the protein, it is predicted to be benign by multiple in silico algorithms, and/or has population frequency not consistent with disease.

Breakthrough Genomics
Classification: Benign. Review status: criteria provided, single submitter. Criteria: ACMG Guidelines, 2015. Collection method: not provided. Allele origin: germline. Inheritance: Autosomal dominant inheritance. Affected: yes.

Clinical Genetics, Academic Medical Center
Classification: Benign. Review status: no assertion criteria provided. Collection method: clinical testing. Allele origin: germline. Affected: yes. Study: VKGL Data-share Consensus. Not counted in ClinVar's aggregate classification.

Genome Diagnostics Laboratory, University Medical Center Utrecht
Classification: Benign. Review status: no assertion criteria provided. Collection method: clinical testing. Allele origin: germline. Affected: yes. Study: VKGL Data-share Consensus. Not counted in ClinVar's aggregate classification.

Literature cited by the submitters: PubMed 30986657 (cited by Athena Diagnostics); PubMed 39900885 (cited by Athena Diagnostics).

NM_005477.3(HCN4):c.2831C>T (p.Ala944Val)

Gene: HCN4 (hyperpolarization activated cyclic nucleotide gated potassium channel 4; minus strand). Cytogenetic location: 15q24.1.
Variant type: single nucleotide variant.
Coding change: c.2831C>T on transcript NM_005477.3 (MANE Select); coding-DNA position 2831, C replaced by T.
Protein change: p.Ala944Val; replaces alanine 944 with valine.
Molecular consequence: missense variant.
Genome position (GRCh38, 1-based): chr15:73,323,262, G>A on the plus strand (C>T on the coding strand, the complement: HCN4 is on the minus strand). VCF-style: chr15-73323262-G-A. GRCh37 (hg19) VCF-style: chr15-73615603-G-A.
Other names: p.A944V:GCG>GTG; p.Ala944Val; short protein forms A944V.
Identifiers: ClinVar variation 190775 (VCV000190775.28), dbSNP rs144450232, ClinGen allele CA199743.
Genomic context (GRCh38, chr15:73,323,262, plus strand): 5'-GAGGGTGGGGGTGGCAGGAAGTGCTCCGGGAGTCCCAGGCCTCCCCGGGCCCCGGGTGGC[G>A]CGGGAGATGGCTGGGCAGCCTGCGGGGAGCGGGCGCCTGGCTGCAGCGGGGTGAGCAGGG-3'
Protein context (NP_005468.1, residues 934-954): RSPQAAQPSP[Ala944Val]PPGARGGLGL